The following is an entry in ClinVar:

NM_001035.3(RYR2):c.1379T>C (p.Ile460Thr)

Gene: RYR2 (ryanodine receptor 2; plus strand). Cytogenetic location: 1q43.
Variant type: single nucleotide variant.
Coding change: c.1379T>C on transcript NM_001035.3 (MANE Select); coding-DNA position 1379, T replaced by C.
Protein change: p.Ile460Thr; replaces isoleucine 460 with threonine.
Molecular consequence: missense variant.
Genome position (GRCh38, 1-based): chr1:237,454,477, T>C. VCF-style: chr1-237454477-T-C. GRCh37 (hg19) VCF-style: chr1-237617777-T-C.
Other names: short protein forms I460T.
Identifiers: ClinVar variation 2151385 (VCV002151385.4), dbSNP rs780476730, ClinGen allele CA085497.
Genomic context (GRCh38, chr1:237,454,477, plus strand): 5'-CGAAGGCTTCCACAGTCGATTTGCCTATAGAGTCCGTAAGCCTAAGTCTGCAGGATCTCA[T>C]TGGCTACTTCCACCCCCCAGATGAGCATTTAGAGCATGAAGACAAACAGAACAGACTACG-3'
Protein context (NP_001026.2, residues 450-470): ESVSLSLQDL[Ile460Thr]GYFHPPDEHL

ClinVar aggregate classification (germline): Uncertain significance. Review status: criteria provided, multiple submitters, no conflicts (2 of 4 stars). 2 submissions from 2 submitters: Uncertain significance (2). Last evaluated 2025-08-27.

Conditions:
Catecholaminergic polymorphic ventricular tachycardia 1. Also called: VENTRICULAR TACHYCARDIA, STRESS-INDUCED POLYMORPHIC 1; RYR2-Related Catecholaminergic Polymorphic Ventricular Tachycardia; VENTRICULAR TACHYCARDIA, CATECHOLAMINERGIC POLYMORPHIC, 1, WITH OR WITHOUT ATRIAL DYSFUNCTION AND/OR DILATED CARDIOMYOPATHY. Identifiers: Orphanet 3286, MedGen C1631597, MONDO:0011484, OMIM 604772.
Cardiomyopathy (CMYO). Also called: Cardiomyopathies. Identifiers: Orphanet 167848, MedGen C0878544, MONDO:0004994, HP:0001638. Inheritance: Various modes of inheritance.

Allele frequency attached by ClinVar (database versions not stated): ExAC 0.00001; TOPMed 0.00001; gnomAD 0.00003.
gnomAD v4.1: 10 of 1,613,462 alleles (0.00062%); highest among the groups gnomAD compares: Admixed American, 0.0033%; no homozygotes.

Submissions (2):

Color Diagnostics, LLC DBA Color Health
Classification: Uncertain significance for Cardiomyopathy. Last evaluated: 2025-08-27. Review status: criteria provided, single submitter. Criteria: ACMG Guidelines, 2015. Collection method: clinical testing. Allele origin: germline.
Comment: This missense variant replaces isoleucine with threonine at codon 460 of the RYR2 protein. Computational prediction suggests that this variant may have deleterious impact on protein structure and function. To our knowledge, functional studies have not been reported for this variant. This variant has not been reported in individuals affected with RYR2-related disorders in the literature. This variant has been identified in 3/280054 chromosomes in the general population by the Genome Aggregation Database (gnomAD). The available evidence is insufficient to determine the role of this variant in disease conclusively. Therefore, this variant is classified as a Variant of Uncertain Significance.

Labcorp Genetics (formerly Invitae), Labcorp
Classification: Uncertain significance for Catecholaminergic polymorphic ventricular tachycardia 1. Last evaluated: 2024-07-21. Review status: criteria provided, single submitter. Criteria: Invitae Variant Classification Sherloc (09022015). Collection method: clinical testing. Allele origin: germline.
Comment: This sequence change replaces isoleucine, which is neutral and non-polar, with threonine, which is neutral and polar, at codon 460 of the RYR2 protein (p.Ile460Thr). This variant is present in population databases (rs780476730, gnomAD 0.006%). This missense change has been observed in individual(s) with ventricular fibrillation (PMID: 32152366). ClinVar contains an entry for this variant (Variation ID: 2151385). Advanced modeling of protein sequence and biophysical properties (such as structural, functional, and spatial information, amino acid conservation, physicochemical variation, residue mobility, and thermodynamic stability) performed at Invitae indicates that this missense variant is expected to disrupt RYR2 protein function with a positive predictive value of 95%. In summary, the available evidence is currently insufficient to determine the role of this variant in disease. Therefore, it has been classified as a Variant of Uncertain Significance.

Literature cited by the submitters: PubMed 32152366 (cited by Labcorp Genetics (formerly Invitae), Labcorp).